The following is an entry in ClinVar:

NM_001130009.3(GEN1):c.113C>G (p.Ala38Gly)

Gene: GEN1 (GEN1 structure-specific endonuclease; plus strand). Cytogenetic location: 2p24.2.
Variant type: single nucleotide variant.
Coding change: c.113C>G on transcript NM_001130009.3 (MANE Select); coding-DNA position 113, C replaced by G.
Protein change: p.Ala38Gly; replaces alanine 38 with glycine.
Molecular consequence: missense variant.
Genome position (GRCh38, 1-based): chr2:17,760,056, C>G. VCF-style: chr2-17760056-C-G. GRCh37 (hg19) VCF-style: chr2-17941323-C-G.
Other names: c.113C>G, p.Ala38Gly (NM_182625.5); short protein forms A38G.
Identifiers: ClinVar variation 1025412 (VCV001025412.8), dbSNP rs1284918226, ClinGen allele CA1540309.
Genomic context (GRCh38, chr2:17,760,056, plus strand): 5'-CCTTGCGTAATCTTGGTGGGAAAACCATTGCAGTTGATCTGAGTCTCTGGGTGTGTGAGG[C>G]ACAGACAGTCAAAAAAATGATGGGCAGCGTCATGAAGCCCCACCTCAGGTATAGTAAAAG-3'
Protein context (NP_001123481.3, residues 28-48): AVDLSLWVCE[Ala38Gly]QTVKKMMGSV

ClinVar aggregate classification (germline): Uncertain significance (1 of 4 stars; one submission).

Allele frequency attached by ClinVar (database versions not stated): ExAC 0.00001; gnomAD exomes 0.00001 and 0.00002; gnomAD 0.00003 and 0.00004; TOPMed 0.00006.
gnomAD v4.1: 27 of 1,613,752 alleles (0.0017%); highest among the groups gnomAD compares: Middle Eastern, 0.033%; no homozygotes.

Submission:

Labcorp Genetics (formerly Invitae), Labcorp
Classification: Uncertain significance. Last evaluated: 2023-05-15. Review status: criteria provided, single submitter. Criteria: Invitae Variant Classification Sherloc (09022015). Collection method: clinical testing. Allele origin: germline.
Comment: Algorithms developed to predict the effect of sequence changes on RNA splicing suggest that this variant may disrupt the consensus splice site. This sequence change replaces alanine, which is neutral and non-polar, with glycine, which is neutral and non-polar, at codon 38 of the GEN1 protein (p.Ala38Gly). This variant is present in population databases (no rsID available, gnomAD 0.003%). This variant has not been reported in the literature in individuals affected with GEN1-related conditions. ClinVar contains an entry for this variant (Variation ID: 1025412). An algorithm developed to predict the effect of missense changes on protein structure and function (PolyPhen-2) suggests that this variant is likely to be disruptive. In summary, the available evidence is currently insufficient to determine the role of this variant in disease. Therefore, it has been classified as a Variant of Uncertain Significance.